The following is an entry in ClinVar:

NM_000179.3(MSH6):c.1825C>A (p.Leu609Ile)

Gene: MSH6 (mutS homolog 6; plus strand). Cytogenetic location: 2p16.3.
Variant type: single nucleotide variant.
Coding change: c.1825C>A on transcript NM_000179.3 (MANE Select); coding-DNA position 1825, C replaced by A.
Protein change: p.Leu609Ile; replaces leucine 609 with isoleucine.
Molecular consequence: missense variant.
Genome position (GRCh38, 1-based): chr2:47,799,808, C>A. VCF-style: chr2-47799808-C-A. GRCh37 (hg19) VCF-style: chr2-48026947-C-A.
Other names: c.1435C>A, p.Leu479Ile (NM_001281492.2); c.919C>A, p.Leu307Ile (NM_001281493.2, NM_001281494.2); short protein forms L609I, L307I, L479I.
Identifiers: ClinVar variation 489970 (VCV000489970.16), dbSNP rs1426910114, ClinGen allele CA346749476.

ClinVar aggregate classification (germline): Conflicting classifications of pathogenicity. Review status: criteria provided, conflicting classifications (1 of 4 stars). 4 submissions from 4 submitters: Uncertain significance (3); Likely benign (1). Last evaluated 2025-01-29.

Conditions:
Hereditary cancer-predisposing syndrome. Also called: Hereditary Cancer Syndrome; Neoplastic Syndromes, Hereditary; Tumor predisposition; Hereditary neoplastic syndrome. Identifiers: Orphanet 140162, MedGen C0027672, MeSH D009386, MONDO:0015356.
Lynch syndrome 5 (LYNCH5). Also called: Hereditary non-polyposis colorectal cancer, type 5; Colorectal cancer, hereditary nonpolyposis, type 5. Identifiers: Orphanet 144, MedGen C1833477, MONDO:0013710, OMIM 614350. Disease mechanism: loss of function.
Hereditary nonpolyposis colorectal neoplasms. Identifiers: MedGen C0009405, MeSH D003123.

gnomAD v4.1: 1 of 1,614,206 alleles (0.000062%); highest among the groups gnomAD compares: East Asian, 0.0022%; no homozygotes.

Submissions (4):

Labcorp Genetics (formerly Invitae), Labcorp
Classification: Likely benign for Hereditary nonpolyposis colorectal neoplasms. Last evaluated: 2025-01-29. Review status: criteria provided, single submitter. Criteria: Invitae Variant Classification Sherloc (09022015). Collection method: clinical testing. Allele origin: germline.

Molecular Pathology, Peter Maccallum Cancer Centre
Classification: Uncertain significance for Lynch syndrome 5. Last evaluated: 2024-07-10. Review status: criteria provided, single submitter. Criteria: ACMG Guidelines, 2015. Collection method: clinical testing. Allele origin: germline. Inheritance: Autosomal dominant inheritance.

Ambry Genetics
Classification: Uncertain significance for Hereditary cancer-predisposing syndrome. Last evaluated: 2024-05-08. Review status: criteria provided, single submitter. Criteria: Ambry Variant Classification Scheme 2023. Collection method: clinical testing. Allele origin: germline.
Comment: The p.L609I variant (also known as c.1825C>A), located in coding exon 4 of the MSH6 gene, results from a C to A substitution at nucleotide position 1825. The leucine at codon 609 is replaced by isoleucine, an amino acid with highly similar properties. This variant has been identified in a cohort of 8085 Chinese breast cancer patients (Hu L et al. NPJ Breast Cancer, 2022 Apr;8:52). This amino acid position is well conserved in available vertebrate species. In addition, this alteration is predicted to be tolerated by in silico analysis. Based on the available evidence, the clinical significance of this variant remains unclear.

Color Diagnostics, LLC DBA Color Health
Classification: Uncertain significance for Hereditary cancer-predisposing syndrome. Last evaluated: 2021-01-20. Review status: criteria provided, single submitter. Criteria: ACMG Guidelines, 2015. Collection method: clinical testing. Allele origin: germline.
Comment: This missense variant replaces leucine with isoleucine at codon 609 of the MSH6 protein. Computational prediction suggests that this variant may not impact protein structure and function (internally defined REVEL score threshold <= 0.5, PMID: 27666373). To our knowledge, functional studies have not been reported for this variant. This variant has been observed in an individual affected with ovarian cancer (PMID: 23047549). This variant has been identified in 1/250530 chromosomes in the general population by the Genome Aggregation Database (gnomAD). The available evidence is insufficient to determine the role of this variant in disease conclusively. Therefore, this variant is classified as a Variant of Uncertain Significance.

Literature cited by the submitters: PubMed 35449176 (cited by Ambry Genetics).